The following is an entry in ClinVar:

ClinVar aggregate classification (germline): Uncertain significance. Review status: criteria provided, multiple submitters, no conflicts (2 of 4 stars). 2 submissions from 2 submitters: Uncertain significance (2). Last evaluated 2023-11-21.

Conditions:
Growth hormone insensitivity with immune dysregulation 1, autosomal recessive. Also called: Laron syndrome with immunodeficiency; GROWTH HORMONE INSENSITIVITY SYNDROME WITH IMMUNE DYSREGULATION 1, AUTOSOMAL RECESSIVE; GROWTH HORMONE INSENSITIVITY DUE TO POSTRECEPTOR DEFECT; LARON SYNDROME DUE TO POSTRECEPTOR DEFECT. Identifiers: Orphanet 220465, MedGen C5435698, MONDO:0100211, OMIM 245590.

Allele frequency attached by ClinVar (database versions not stated): gnomAD exomes below 0.00001; ExAC 0.00001.
gnomAD v4.1: 3 of 1,614,250 alleles (0.00019%); highest among the groups gnomAD compares: South Asian, 0.0011%; no homozygotes.

Submissions (2):

Labcorp Genetics (formerly Invitae), Labcorp
Classification: Uncertain significance for Growth hormone insensitivity with immune dysregulation 1, autosomal recessive. Last evaluated: 2023-11-21. Review status: criteria provided, single submitter. Criteria: Invitae Variant Classification Sherloc (09022015). Collection method: clinical testing. Allele origin: germline.
Comment: This sequence change replaces methionine, which is neutral and non-polar, with isoleucine, which is neutral and non-polar, at codon 726 of the STAT5B protein (p.Met726Ile). This variant is present in population databases (rs768971207, gnomAD 0.003%). This variant has not been reported in the literature in individuals affected with STAT5B-related conditions. ClinVar contains an entry for this variant (Variation ID: 1677013). An algorithm developed to predict the effect of missense changes on protein structure and function (PolyPhen-2) suggests that this variant is likely to be tolerated. In summary, the available evidence is currently insufficient to determine the role of this variant in disease. Therefore, it has been classified as a Variant of Uncertain Significance.

Women's Health and Genetics/Laboratory Corporation of America, LabCorp
Classification: Uncertain significance. Last evaluated: 2022-03-04. Review status: criteria provided, single submitter. Criteria: LabCorp Variant Classification Summary - May 2015. Collection method: clinical testing. Allele origin: germline.
Comment: Variant summary: STAT5B c.2178G>A (p.Met726Ile) results in a conservative amino acid change in the encoded protein sequence. Four of five in-silico tools predict a benign effect of the variant on protein function. The variant allele was found at a frequency of 4e-06 in 251378 control chromosomes. The available data on variant occurrences in the general population are insufficient to allow any conclusion about variant significance. To our knowledge, no occurrence of c.2178G>A in individuals affected with Growth Hormone Insensitivity Syndrome With Immune Dysregulation 2, Autosomal Dominant and no experimental evidence demonstrating its impact on protein function have been reported. No clinical diagnostic laboratories have submitted clinical-significance assessments for this variant to ClinVar after 2014. Based on the evidence outlined above, the variant was classified as uncertain significance.

NM_012448.4(STAT5B):c.2178G>A (p.Met726Ile)

Gene: STAT5B (signal transducer and activator of transcription 5B; minus strand). Cytogenetic location: 17q21.2.
Variant type: single nucleotide variant.
Coding change: c.2178G>A on transcript NM_012448.4 (MANE Select); coding-DNA position 2178, G replaced by A.
Protein change: p.Met726Ile; replaces methionine 726 with isoleucine.
Molecular consequence: missense variant.
Genome position (GRCh38, 1-based): chr17:42,202,399, C>T on the plus strand (G>A on the coding strand, the complement: STAT5B is on the minus strand). VCF-style: chr17-42202399-C-T. GRCh37 (hg19) VCF-style: chr17-40354417-C-T.
Other names: short protein forms M726I.
Identifiers: ClinVar variation 1677013 (VCV001677013.4), dbSNP rs768971207, ClinGen allele CA8573834.